The following is an entry in ClinVar:

NM_144670.6(A2ML1):c.2774C>T (p.Ala925Val)

Gene: A2ML1 (alpha-2-macroglobulin like 1; plus strand). Cytogenetic location: 12p13.31.
Variant type: single nucleotide variant.
Coding change: c.2774C>T on transcript NM_144670.6 (MANE Select); coding-DNA position 2774, C replaced by T.
Protein change: p.Ala925Val; replaces alanine 925 with valine.
Molecular consequence: missense variant.
Genome position (GRCh38, 1-based): chr12:8,855,518, C>T. VCF-style: chr12-8855518-C-T. GRCh37 (hg19) VCF-style: chr12-9008114-C-T.
Other names: c.1301C>T, p.Ala434Val (NM_001282424.3); short protein forms A434V, A925V.
Identifiers: ClinVar variation 4635633 (VCV004635633.1).
Genomic context (GRCh38, chr12:8,855,518, plus strand): 5'-CCTGCCATTCCCCATCTTCTATTGTGTCACCTTTTTTTCTGCATCTCACAGGAAAGGTGG[C>T]ATCTGAATCTGTCTCCCTGGAGCTCCCAGTGGACATTGTTCCTGACTCGACCAAGGCTTA-3'
Protein context (NP_653271.3, residues 915-935): SSLLCPKGKV[Ala925Val]SESVSLELPV

ClinVar aggregate classification (germline): Uncertain significance (1 of 4 stars; one submission).

gnomAD v4.1: 2 of 1,613,992 alleles (0.00012%); highest among the groups gnomAD compares: African/African-American, 0.0027%; no homozygotes.

Submission:

Ambry Genetics
Classification: Uncertain significance. Last evaluated: 2025-10-23. Review status: criteria provided, single submitter. Criteria: Ambry Variant Classification Scheme 2023. Collection method: clinical testing. Allele origin: germline.
Comment: The p.A925V variant (also known as c.2774C>T), located in coding exon 23 of the A2ML1 gene, results from a C to T substitution at nucleotide position 2774. The alanine at codon 925 is replaced by valine, an amino acid with similar properties. This amino acid position is conserved. In addition, this alteration is predicted to be tolerated by in silico analysis. Based on the available evidence, the clinical significance of this variant remains unclear.